The following is an entry in ClinVar:

ClinVar aggregate classification (germline): Uncertain significance (1 of 4 stars; one submission).

Allele frequency attached by ClinVar (database versions not stated): TOPMed 0.00001; gnomAD exomes below 0.00001; ExAC 0.00002; gnomAD 0.00001; ESP Exome Variant Server 0.00008.
gnomAD v4.1: 3 of 1,613,614 alleles (0.00019%); highest among the groups gnomAD compares: East Asian, 0.0045%; no homozygotes.

Submission:

Ambry Genetics
Classification: Uncertain significance. Last evaluated: 2023-02-27. Review status: criteria provided, single submitter. Criteria: Ambry Variant Classification Scheme 2023. Collection method: clinical testing. Allele origin: germline.

NM_013285.3(GNL2):c.1480G>A (p.Val494Ile)

Genes: GNL2 (G protein nucleolar 2; minus strand), LOC126805705 (CDK7 strongly-dependent group 2 enhancer GRCh37_chr1:38033816-38035015; plus strand). Cytogenetic location: 1p34.3.
Variant type: single nucleotide variant.
Coding change: c.1480G>A on transcript NM_013285.3 (MANE Select); coding-DNA position 1480, G replaced by A.
Protein change: p.Val494Ile; replaces valine 494 with isoleucine.
Molecular consequence: missense variant.
Genome position (GRCh38, 1-based): chr1:37,569,239, C>T on the plus strand (G>A on the coding strand, the complement: GNL2 is on the minus strand). VCF-style: chr1-37569239-C-T. GRCh37 (hg19) VCF-style: chr1-38034840-C-T.
Other names: c.1684G>A, p.Val562Ile (NM_001323623.2); c.931G>A, p.Val311Ile (NM_001323624.2); short protein forms V494I, V311I, V562I.
Identifiers: ClinVar variation 818173 (VCV000818173.4), dbSNP rs371807583, ClinGen allele CA771990.
Genomic context (GRCh38, chr1:37,569,239, plus strand): 5'-TGTTCTCTTCTGTTTCTTCCTTAATGATGGATTCTGACCCTTCACCTGCAGTTTCTGTGA[C>T]TTCCTCCCCTGGATTGTTCTGGGCTGCTTCTGGGACAACTTCCAAAGATGAGGAGGGTAG-3'
Protein context (NP_037417.1, residues 484-504): EAAQNNPGEE[Val494Ile]TETAGEGSES